The following is an entry in ClinVar:

NM_017777.4(MKS1):c.1450G>T (p.Gly484Cys)

Gene: MKS1 (MKS transition zone complex subunit 1; minus strand). Cytogenetic location: 17q22.
Variant type: single nucleotide variant.
Coding change: c.1450G>T on transcript NM_017777.4 (MANE Select); coding-DNA position 1450, G replaced by T.
Protein change: p.Gly484Cys; replaces glycine 484 with cysteine.
Molecular consequence: missense variant. On other transcripts: intron variant (2).
Genome position (GRCh38, 1-based): chr17:58,206,505, C>A on the plus strand (G>T on the coding strand, the complement: MKS1 is on the minus strand). VCF-style: chr17-58206505-C-A. GRCh37 (hg19) VCF-style: chr17-56283866-C-A.
Other names: c.1450G>T (NM_017777.3); c.841G>T, p.Gly281Cys (NM_001321268.2); c.1274-125G>T (NM_001330397.2); c.1408-125G>T (NM_001321269.2); short protein forms G484C, G281C.
Identifiers: ClinVar variation 1482924 (VCV001482924.7), dbSNP rs1473936553, ClinGen allele CA400324702.

ClinVar aggregate classification (germline): Uncertain significance. Review status: criteria provided, multiple submitters, no conflicts (2 of 4 stars). 2 submissions from 2 submitters: Uncertain significance (2). Last evaluated 2025-06-03.

Conditions:
Inborn genetic diseases. Identifiers: MedGen C0950123, MeSH D030342.
Meckel-Gruber syndrome. Also called: DYSENCEPHALIA SPLANCHNOCYSTICA; GRUBER SYNDROME; Dysencephalia splachnocystica. Identifiers: Orphanet 564, MedGen C0265215, MONDO:0018921.
Joubert syndrome. Also called: CEREBELLOPARENCHYMAL DISORDER IV; JOUBERT-BOLTSHAUSER SYNDROME; Familial aplasia of the vermis. Identifiers: Orphanet 475, MedGen C5979921, MONDO:0018772.

Submissions (2):

Ambry Genetics
Classification: Uncertain significance for Inborn genetic diseases. Last evaluated: 2025-06-03. Review status: criteria provided, single submitter. Criteria: Ambry Variant Classification Scheme 2023. Collection method: clinical testing. Allele origin: germline.

Labcorp Genetics (formerly Invitae), Labcorp
Classification: Uncertain significance for Joubert syndrome; Meckel-Gruber syndrome. Last evaluated: 2021-09-03. Review status: criteria provided, single submitter. Criteria: Invitae Variant Classification Sherloc (09022015). Collection method: clinical testing. Allele origin: germline.
Comment: In summary, the available evidence is currently insufficient to determine the role of this variant in disease. Therefore, it has been classified as a Variant of Uncertain Significance. Advanced modeling of protein sequence and biophysical properties (such as structural, functional, and spatial information, amino acid conservation, physicochemical variation, residue mobility, and thermodynamic stability) performed at Invitae indicates that this missense variant is expected to disrupt MKS1 protein function. This variant has not been reported in the literature in individuals affected with MKS1-related conditions. This variant is not present in population databases (ExAC no frequency). This sequence change replaces glycine with cysteine at codon 484 of the MKS1 protein (p.Gly484Cys). The glycine residue is highly conserved and there is a large physicochemical difference between glycine and cysteine.